The following is an entry in ClinVar:

NM_002617.4(PEX10):c.27G>A (p.Pro9=)

Gene: PEX10 (peroxisomal biogenesis factor 10; minus strand). Cytogenetic location: 1p36.32.
Variant type: single nucleotide variant.
Coding change: c.27G>A on transcript NM_002617.4 (MANE Select); coding-DNA position 27, G replaced by A.
Protein change: p.Pro9=; no amino-acid change (proline 9 retained).
Molecular consequence: synonymous variant. On other transcripts: intron variant (2).
Genome position (GRCh38, 1-based): chr1:2,412,476, C>T on the plus strand (G>A on the coding strand, the complement: PEX10 is on the minus strand). VCF-style: chr1-2412476-C-T. GRCh37 (hg19) VCF-style: chr1-2343915-C-T.
Other names: c.27G>A, p.Pro9= (NM_001374425.1, NM_153818.2); c.-321+1121G>A (NM_001374427.1, NM_001374426.1).
Identifiers: ClinVar variation 718967 (VCV000718967.17), dbSNP rs559431523, ClinGen allele CA538316.
Genomic context (GRCh38, chr1:2,412,476, plus strand): 5'-CGCCGCGCTCCGCAGCCCACCGCGGTAGTACTCGTCCTTCTGCGCCGCGCGGATCACCTC[C>T]GGGGGGCTGGCGGCGGCCGGGGCCATGGCCGCGGGTTCGGGTGGTCCCGAGCAGCCACGC-3'
Protein context (NP_002608.1, residues 1-19): MAPAAASP[Pro9=]EVIRAAQKDE

ClinVar aggregate classification (germline): Benign/Likely benign. Review status: criteria provided, multiple submitters, no conflicts (2 of 4 stars). 5 submissions from 5 submitters: Benign (1); Likely benign (2). 2 of the submissions do not count toward it. Last evaluated 2026-01-19.

Conditions:
Zellweger spectrum disorders (ZS). Also called: Zellweger Spectrum Disorder (ZSD); Zellweger Spectrum Disorder; Zellweger Spectrum; Zellweger syndrome. Identifiers: Orphanet 912, MedGen C0043459, MONDO:0019609.
Peroxisome biogenesis disorder, complementation group 7 (CG7). Also called: Peroxisome biogenesis disorder, complementation group B. Identifiers: MedGen C1864399.
Peroxisome biogenesis disorder 6A (Zellweger). Also called: Peroxisome biogenesis disorder 6A. Identifiers: Orphanet 912, MedGen C3553947, MONDO:0013936, OMIM 614870.
PEX10-related disorder. Also called: PEX10-related condition.

Allele frequency attached by ClinVar (database versions not stated): gnomAD exomes 0.00012 and 0.00043; gnomAD 0.00018 and 0.00027; TOPMed 0.00031; 1000 Genomes Project 0.00180; 1000 Genomes Project 30x 0.00203; ExAC 0.00274.
gnomAD v4.1: 198 of 1,392,842 alleles (0.014%); highest among the groups gnomAD compares: East Asian, 0.39%; no homozygotes.

Submissions (5):

Labcorp Genetics (formerly Invitae), Labcorp
Classification: Likely benign for Peroxisome biogenesis disorder, complementation group 7. Last evaluated: 2026-01-19. Review status: criteria provided, single submitter. Criteria: Invitae Variant Classification Sherloc (09022015). Collection method: clinical testing. Allele origin: germline.

Blueprint Genetics
Classification: Likely benign. Last evaluated: 2024-10-28. Review status: criteria provided, single submitter. Criteria: ACMG Guidelines, 2015. Collection method: clinical testing. Allele origin: germline.

Illumina Laboratory Services, Illumina
Classification: Benign for Peroxisome biogenesis disorder 6A (Zellweger). Last evaluated: 2017-04-27. Review status: criteria provided, single submitter. Criteria: ICSL Variant Classification Criteria 13 December 2019. Collection method: clinical testing. Allele origin: germline.
Comment: This variant was observed as part of a predisposition screen in an ostensibly healthy population. A literature search was performed for the gene, cDNA change, and amino acid change (where applicable). No publications were found based on this search. Allele frequency data from public databases was too high to be consistent with this variant causing disease. Therefore, this variant is classified as benign.

PreventionGenetics, part of Exact Sciences
Classification: Likely benign for PEX10-related condition. Last evaluated: 2020-12-31. Review status: no assertion criteria provided. Collection method: clinical testing. Allele origin: germline. Not counted in ClinVar's aggregate classification.
Comment: This variant is classified as likely benign based on ACMG/AMP sequence variant interpretation guidelines (Richards et al. 2015 PMID: 25741868, with internal and published modifications).

Natera, Inc.
Classification: Uncertain significance for Zellweger syndrome. Last evaluated: 2020-01-24. Review status: no assertion criteria provided. Collection method: clinical testing. Allele origin: germline. Not counted in ClinVar's aggregate classification.